The following is an entry in ClinVar:

ClinVar aggregate classification (germline): Uncertain significance (1 of 4 stars; one submission).

Submission:

Labcorp Genetics (formerly Invitae), Labcorp
Classification: Uncertain significance. Last evaluated: 2023-07-31. Review status: criteria provided, single submitter. Criteria: Invitae Variant Classification Sherloc (09022015). Collection method: clinical testing. Allele origin: germline.
Comment: This sequence change replaces threonine, which is neutral and polar, with alanine, which is neutral and non-polar, at codon 147 of the NTHL1 protein (p.Thr147Ala). This variant is not present in population databases (gnomAD no frequency). This variant has not been reported in the literature in individuals affected with NTHL1-related conditions. An algorithm developed to predict the effect of missense changes on protein structure and function (PolyPhen-2) suggests that this variant is likely to be disruptive. In summary, the available evidence is currently insufficient to determine the role of this variant in disease. Therefore, it has been classified as a Variant of Uncertain Significance.

NM_002528.7(NTHL1):c.415A>G (p.Thr139Ala)

Gene: NTHL1 (nth like DNA glycosylase 1; minus strand). Cytogenetic location: 16p13.3.
Variant type: single nucleotide variant.
Coding change: c.415A>G on transcript NM_002528.7 (MANE Select); coding-DNA position 415, A replaced by G.
Protein change: p.Thr139Ala; replaces threonine 139 with alanine.
Molecular consequence: missense variant. On other transcripts: intron variant (1).
Genome position (GRCh38, 1-based): chr16:2,044,740, T>C on the plus strand (A>G on the coding strand, the complement: NTHL1 is on the minus strand). VCF-style: chr16-2044740-T-C. GRCh37 (hg19) VCF-style: chr16-2094741-T-C.
Other names: c.85A>G, p.Thr29Ala (NM_001318194.2); c.355-1014A>G (NM_001318193.2); short protein forms T29A, T139A.
Identifiers: ClinVar variation 2748718 (VCV002748718.3), dbSNP rs2150942414, ClinGen allele CA394294461.